The following is an entry in ClinVar:

NM_000384.3(APOB):c.8366T>A (p.Ile2789Asn)

Gene: APOB (apolipoprotein B; minus strand). Cytogenetic location: 2p24.1.
Variant type: single nucleotide variant.
Coding change: c.8366T>A on transcript NM_000384.3 (MANE Select); coding-DNA position 8366, T replaced by A.
Protein change: p.Ile2789Asn; replaces isoleucine 2789 with asparagine.
Molecular consequence: missense variant.
Genome position (GRCh38, 1-based): chr2:21,008,502, A>T on the plus strand (T>A on the coding strand, the complement: APOB is on the minus strand). VCF-style: chr2-21008502-A-T. GRCh37 (hg19) VCF-style: chr2-21231374-A-T.
Other names: short protein forms I2789N.
Identifiers: ClinVar variation 1763097 (VCV001763097.2), dbSNP rs941835419, ClinGen allele CA43500698.

ClinVar aggregate classification (germline): Uncertain significance (1 of 4 stars; one submission).

Conditions:
Cardiovascular phenotype. Identifiers: MedGen CN230736.

gnomAD v4.1: 5 of 1,613,976 alleles (0.00031%); highest among the groups gnomAD compares: African/African-American, 0.0067%; no homozygotes.

Submission:

Ambry Genetics
Classification: Uncertain significance for Cardiovascular phenotype. Last evaluated: 2021-07-12. Review status: criteria provided, single submitter. Criteria: Ambry Variant Classification Scheme 2023. Collection method: clinical testing. Allele origin: germline.
Comment: The p.I2789N variant (also known as c.8366T>A), located in coding exon 26 of the APOB gene, results from a T to A substitution at nucleotide position 8366. The isoleucine at codon 2789 is replaced by asparagine, an amino acid with dissimilar properties. This amino acid position is conserved. In addition, this alteration is predicted to be tolerated by in silico analysis. Since supporting evidence is limited at this time, the clinical significance of this alteration remains unclear.